The following is an entry in ClinVar:

NM_032977.4(CASP10):c.*230G>A

Gene: CASP10 (caspase 10; plus strand). Cytogenetic location: 2q33.1.
Variant type: single nucleotide variant.
Coding change: c.*230G>A on transcript NM_032977.4 (MANE Select); 230 bases downstream of the stop codon, G replaced by A.
Molecular consequence: 3 prime UTR variant. On other transcripts: intron variant (2).
Genome position (GRCh38, 1-based): chr2:201,217,971, G>A. VCF-style: chr2-201217971-G-A. GRCh37 (hg19) VCF-style: chr2-202082694-G-A.
Other names: c.*230G>A (NM_001206524.2, NM_001230.5); c.*885G>A (NM_032976.4); c.1415+8409G>A (NM_032974.5); c.1286+8409G>A (NM_001206542.2).
Identifiers: ClinVar variation 333445 (VCV000333445.5), dbSNP rs565567149, ClinGen allele CA10613466.

ClinVar aggregate classification (germline): Benign (1 of 4 stars; one submission).

Conditions:
Autoimmune lymphoproliferative syndrome type 2A (ALPS2A). Also called: CASP10-Related Autoimmune Lymphoproliferative Syndrome; AUTOIMMUNE LYMPHOPROLIFERATIVE SYNDROME, TYPE IIA; Autoimmune lymphoproliferative syndrome type 2. Identifiers: Orphanet 3261, MedGen C1858968, MONDO:0011383, OMIM 603909.

Allele frequency attached by ClinVar (database versions not stated): gnomAD exomes 0.00012; gnomAD 0.00014 and 0.00015; TOPMed 0.00017; 1000 Genomes Project 30x 0.00031; 1000 Genomes Project 0.00040.

Submission:

Illumina Laboratory Services, Illumina
Classification: Benign for Autoimmune lymphoproliferative syndrome type 2A. Last evaluated: 2018-01-12. Review status: criteria provided, single submitter. Criteria: ICSL Variant Classification Criteria 13 December 2019. Collection method: clinical testing. Allele origin: germline.
Comment: This variant was observed in the ICSL laboratory as part of a predisposition screen in an ostensibly healthy population. It had not been previously curated by ICSL or reported in the Human Gene Mutation Database (HGMD: prior to June 1st, 2018), and was therefore a candidate for classification through an automated scoring system. Utilizing variant allele frequency, disease prevalence and penetrance estimates, and inheritance mode, an automated score was calculated to assess if this variant is too frequent to cause the disease. Based on the score and internal cut-off values, a variant classified as benign is not then subjected to further curation. The score for this variant resulted in a classification of benign for this disease.